The following is an entry in ClinVar:

NM_002103.5(GYS1):c.803A>T (p.His268Leu)

Gene: GYS1 (glycogen synthase 1; minus strand). Cytogenetic location: 19q13.33.
Variant type: single nucleotide variant.
Coding change: c.803A>T on transcript NM_002103.5 (MANE Select); coding-DNA position 803, A replaced by T.
Protein change: p.His268Leu; replaces histidine 268 with leucine.
Molecular consequence: missense variant. On other transcripts: non-coding transcript variant (1).
Genome position (GRCh38, 1-based): chr19:48,985,481, T>A on the plus strand (A>T on the coding strand, the complement: GYS1 is on the minus strand). VCF-style: chr19-48985481-T-A. GRCh37 (hg19) VCF-style: chr19-49488738-T-A.
Other names: c.611A>T, p.His204Leu (NM_001161587.2); short protein forms H204L, H268L.
Identifiers: ClinVar variation 894180 (VCV000894180.10), dbSNP rs769630976, ClinGen allele CA9563221.

ClinVar aggregate classification (germline): Uncertain significance. Review status: criteria provided, multiple submitters, no conflicts (2 of 4 stars). 2 submissions from 2 submitters: Uncertain significance (2). Last evaluated 2021-05-19.

Conditions:
Glycogen storage disease due to muscle and heart glycogen synthase deficiency. Also called: GSD 0b; MUSCLE GLYCOGEN SYNTHASE DEFICIENCY. Identifiers: Orphanet 137625, MedGen C1969054, MONDO:0012693, OMIM 611556.

Allele frequency attached by ClinVar (database versions not stated): gnomAD exomes 0.00001 and 0.00002; ExAC 0.00002.
gnomAD v4.1: 17 of 1,613,984 alleles (0.0011%); highest among the groups gnomAD compares: South Asian, 0.016%; no homozygotes.

Submissions (2):

Labcorp Genetics (formerly Invitae), Labcorp
Classification: Uncertain significance for Glycogen storage disease due to muscle and heart glycogen synthase deficiency. Last evaluated: 2021-05-19. Review status: criteria provided, single submitter. Criteria: Invitae Variant Classification Sherloc (09022015). Collection method: clinical testing. Allele origin: germline.
Comment: This sequence change replaces histidine with leucine at codon 268 of the GYS1 protein (p.His268Leu). The histidine residue is highly conserved and there is a moderate physicochemical difference between histidine and leucine. This variant is present in population databases (rs769630976, ExAC 0.01%). This variant has not been reported in the literature in individuals with GYS1-related conditions. ClinVar contains an entry for this variant (Variation ID: 894180). Algorithms developed to predict the effect of missense changes on protein structure and function are either unavailable or do not agree on the potential impact of this missense change (SIFT: "Deleterious"; PolyPhen-2: "Benign"; Align-GVGD: "Class C0"). In summary, the available evidence is currently insufficient to determine the role of this variant in disease. Therefore, it has been classified as a Variant of Uncertain Significance.

Illumina Laboratory Services, Illumina
Classification: Uncertain significance for Glycogen storage disease due to muscle and heart glycogen synthase deficiency. Last evaluated: 2018-01-12. Review status: criteria provided, single submitter. Criteria: ICSL Variant Classification Criteria 13 December 2019. Collection method: clinical testing. Allele origin: germline.